The following is an entry in ClinVar:

NM_000179.3(MSH6):c.3845_3847del (p.Thr1282del)

Gene: MSH6 (mutS homolog 6; plus strand). Cytogenetic location: 2p16.3.
Variant type: Deletion.
Coding change: c.3845_3847del on transcript NM_000179.3 (MANE Select); coding-DNA positions 3845 to 3847, 3 bases deleted (CTA; older notation c.3845_3847delCTA).
Protein change: p.Thr1282del; deletes threonine 1282.
Molecular consequence: inframe deletion.
Genome position (GRCh38, 1-based): chr2:47,806,495-47,806,497, CTA deleted; deleting any 3 consecutive bases within chr2:47,806,494-47,806,497 gives the same sequence; the c. name uses the placement nearest the transcript's 3' end. VCF-style (leftmost placement, unchanged base first): chr2-47806493-GACT-G. GRCh37 (hg19) VCF-style: chr2-48033632-GACT-G.
Other names: c.3845_3847delCTA (NM_000179.2); c.3455_3457del, p.Thr1152del (NM_001281492.2); c.2939_2941del, p.Thr980del (NM_001281493.2, NM_001281494.2); short protein forms T1282del, T980del, T1152del.
Identifiers: ClinVar variation 490010 (VCV000490010.17), dbSNP rs1367615271, ClinGen allele CA658683258.

ClinVar aggregate classification (germline): Conflicting classifications of pathogenicity. Review status: criteria provided, conflicting classifications (1 of 4 stars). 3 submissions from 3 submitters: Uncertain significance (2); Likely benign (1). Last evaluated 2025-05-05.

Conditions:
Hereditary cancer-predisposing syndrome. Also called: Hereditary Cancer Syndrome; Neoplastic Syndromes, Hereditary; Tumor predisposition; Hereditary neoplastic syndrome. Identifiers: Orphanet 140162, MedGen C0027672, MeSH D009386, MONDO:0015356.
Hereditary nonpolyposis colorectal neoplasms. Identifiers: MedGen C0009405, MeSH D003123.

Submissions (3):

Labcorp Genetics (formerly Invitae), Labcorp
Classification: Likely benign for Hereditary nonpolyposis colorectal neoplasms. Last evaluated: 2025-05-05. Review status: criteria provided, single submitter. Criteria: Invitae Variant Classification Sherloc (09022015). Collection method: clinical testing. Allele origin: germline.

Ambry Genetics
Classification: Uncertain significance for Hereditary cancer-predisposing syndrome. Last evaluated: 2023-12-07. Review status: criteria provided, single submitter. Criteria: Ambry Variant Classification Scheme 2023. Collection method: clinical testing. Allele origin: germline.
Comment: The c.3845_3847delCTA variant (also known as p.T1282del) is located in coding exon 9 of the MSH6 gene. This variant results from an in-frame CTA deletion at nucleotide positions 3845 to 3847. This results in the in-frame deletion of a threonine at codon 1282. This amino acid position is highly conserved in available vertebrate species. In addition, this alteration is predicted to be deleterious by in silico analysis (Choi Y et al. PLoS ONE. 2012; 7(10):e46688). Since supporting evidence is limited at this time, the clinical significance of this alteration remains unclear.

Color Diagnostics, LLC DBA Color Health
Classification: Uncertain significance for Hereditary cancer-predisposing syndrome. Last evaluated: 2019-03-13. Review status: criteria provided, single submitter. Criteria: ACMG Guidelines, 2015. Collection method: clinical testing. Allele origin: germline.